The following is an entry in ClinVar:

NM_152419.3(HGSNAT):c.90dup (p.Arg31fs)

Genes: HGSNAT (heparan-alpha-glucosaminide N-acetyltransferase; plus strand), LOC130000316 (ATAC-STARR-seq lymphoblastoid silent region 19164; plus strand). Cytogenetic location: 8p11.21.
Variant type: Duplication.
Coding change: c.90dup on transcript NM_152419.3 (MANE Select); coding-DNA position 90, one base duplicated (G; older notation c.90dupG).
Protein change: p.Arg31fs; shifts the reading frame from arginine 31.
Molecular consequence: frameshift variant. On other transcripts: 5 prime UTR variant (1).
Genome position (GRCh38, 1-based): chr8:43,140,586, G duplicated; the last of 4 consecutive G bases (chr8:43,140,583-43,140,586); duplicating any one gives the same sequence. VCF-style (leftmost placement, unchanged base first): chr8-43140582-C-CG. GRCh37 (hg19) VCF-style: chr8-42995725-C-CG.
Other names: c.90dup, p.Arg31fs (NM_001363227.2, NM_001363228.2); c.-744dup (NM_001363229.2); short protein forms R31fs.
Identifiers: ClinVar variation 1324531 (VCV001324531.8), dbSNP rs2130648385, ClinGen allele CA2573053021.

ClinVar aggregate classification (germline): Pathogenic/Likely pathogenic. Review status: criteria provided, multiple submitters, no conflicts (2 of 4 stars). 3 submissions from 3 submitters: Pathogenic (2); Likely pathogenic (1). Last evaluated 2023-09-27.

Conditions:
Mucopolysaccharidosis, MPS-III-C (MPS3C). Also called: mucopolysaccharidosis type 3C; MPS III C; SANFILIPPO SYNDROME C; Mucopolysaccharidosis type IIIC (Sanfilippo C); MUCOPOLYSACCHARIDOSIS, TYPE IIIC; MPS IIIC (Sanfilippo Syndrome Type C). Identifiers: Orphanet 581, Orphanet 79271, MedGen C0086649, MONDO:0009657, OMIM 252930.
Retinitis pigmentosa 73 (RP73). Identifiers: Orphanet 791, MedGen C4225287, MONDO:0014687, OMIM 616544.

Submissions (3):

Myriad Genetics, Inc.
Classification: Pathogenic for Mucopolysaccharidosis, MPS-III-C. Last evaluated: 2023-09-27. Review status: criteria provided, single submitter. Criteria: Myriad Autosomal Dominant, Autosomal Recessive and X-Linked Classification Criteria (2023). Collection method: clinical testing. Allele origin: unknown.
Comment: NM_152419.2(HGSNAT):c.90dupG(R31Afs*30) is expected to be pathogenic in the context of mucopolysaccharidosis type IIIC. This variant is predicted to lead to an abnormal or absent protein product due to the creation of a premature termination codon in HGSNAT, a gene where loss-of-function variants are known to be pathogenic. Please note: this variant was assessed in the context of healthy population screening.

Labcorp Genetics (formerly Invitae), Labcorp
Classification: Pathogenic for Retinitis pigmentosa 73; Mucopolysaccharidosis, MPS-III-C. Last evaluated: 2023-04-17. Review status: criteria provided, single submitter. Criteria: Invitae Variant Classification Sherloc (09022015). Collection method: clinical testing. Allele origin: germline.
Comment: For these reasons, this variant has been classified as Pathogenic. ClinVar contains an entry for this variant (Variation ID: 1324531). This variant has not been reported in the literature in individuals affected with HGSNAT-related conditions. This variant is not present in population databases (gnomAD no frequency). This sequence change creates a premature translational stop signal (p.Arg31Alafs*30) in the HGSNAT gene. It is expected to result in an absent or disrupted protein product. Loss-of-function variants in HGSNAT are known to be pathogenic (PMID: 17033958, 19479962).

Revvity Omics, Revvity
Classification: Likely pathogenic. Last evaluated: 2021-08-26. Review status: criteria provided, single submitter. Criteria: ACMG Guidelines, 2015. Collection method: clinical testing. Allele origin: germline.

Literature cited by the submitters: PubMed 17033958 (cited by Labcorp Genetics (formerly Invitae), Labcorp); PubMed 19479962 (cited by Labcorp Genetics (formerly Invitae), Labcorp).